The following is an entry in ClinVar:

ClinVar aggregate classification (germline): Uncertain significance. Review status: criteria provided, multiple submitters, no conflicts (2 of 4 stars). 2 submissions from 2 submitters: Uncertain significance (2). Last evaluated 2026-01-26.

Conditions:
Inborn genetic diseases. Identifiers: MedGen C0950123, MeSH D030342.

Allele frequency attached by ClinVar (database versions not stated): TOPMed below 0.00001; gnomAD exomes 0.00001.
gnomAD v4.1: 10 of 1,613,842 alleles (0.00062%); highest among the groups gnomAD compares: Non-Finnish European, 0.00059%; no homozygotes.

Submissions (2):

Labcorp Genetics (formerly Invitae), Labcorp
Classification: Uncertain significance. Last evaluated: 2026-01-26. Review status: criteria provided, single submitter. Criteria: Invitae Variant Classification Sherloc (09022015). Collection method: clinical testing. Allele origin: germline.
Comment: This sequence change replaces glutamic acid, which is acidic and polar, with glycine, which is neutral and non-polar, at codon 3033 of the CDH23 protein (p.Glu3033Gly). This variant is not present in population databases (gnomAD no frequency). This variant has not been reported in the literature in individuals affected with CDH23-related conditions. ClinVar contains an entry for this variant (Variation ID: 1361575). Invitae Evidence Modeling of protein sequence and biophysical properties (such as structural, functional, and spatial information, amino acid conservation, physicochemical variation, residue mobility, and thermodynamic stability) has been performed for this missense variant. However, the output from this modeling did not meet the statistical confidence thresholds required to predict the impact of this variant on CDH23 protein function. In summary, the available evidence is currently insufficient to determine the role of this variant in disease. Therefore, it has been classified as a Variant of Uncertain Significance.

Ambry Genetics
Classification: Uncertain significance for Inborn genetic diseases. Last evaluated: 2024-11-10. Review status: criteria provided, single submitter. Criteria: Ambry Variant Classification Scheme 2023. Collection method: clinical testing. Allele origin: germline.

NM_022124.6(CDH23):c.9098A>G (p.Glu3033Gly)

Gene: CDH23 (cadherin related 23; plus strand). Cytogenetic location: 10q22.1.
Variant type: single nucleotide variant.
Coding change: c.9098A>G on transcript NM_022124.6 (MANE Select); coding-DNA position 9098, A replaced by G.
Protein change: p.Glu3033Gly; replaces glutamic acid 3033 with glycine.
Molecular consequence: missense variant.
Genome position (GRCh38, 1-based): chr10:71,811,335, A>G. VCF-style: chr10-71811335-A-G. GRCh37 (hg19) VCF-style: chr10-73571092-A-G.
Other names: c.2378A>G, p.Glu793Gly (NM_001171933.1, NM_001171934.1); c.9098A>G (NM_022124.5); short protein forms E3033G, E793G.
Identifiers: ClinVar variation 1361575 (VCV001361575.5), dbSNP rs1841916378, ClinGen allele CA377134314.